The following is an entry in ClinVar:

ClinVar aggregate classification (germline): Uncertain significance (1 of 4 stars; one submission).

Conditions:
Developmental and epileptic encephalopathy, 25 (DEE25). Also called: Epileptic encephalopathy, early infantile, 25; Developmental and epileptic encephalopathy 25, with amelogenesis imperfecta; Epileptic encephalopathy, early infantile, 25, with amelogenesis imperfecta. Identifiers: Orphanet 442835, MedGen C4014621, MONDO:0014392, OMIM 615905.

Allele frequency attached by ClinVar (database versions not stated): gnomAD exomes below 0.00001; ExAC 0.00001.
gnomAD v4.1: 1 of 1,613,820 alleles (0.000062%); highest among the groups gnomAD compares: Admixed American, 0.0017%; no homozygotes.

Submission:

Labcorp Genetics (formerly Invitae), Labcorp
Classification: Uncertain significance for Developmental and epileptic encephalopathy, 25. Last evaluated: 2022-08-14. Review status: criteria provided, single submitter. Criteria: Invitae Variant Classification Sherloc (09022015). Collection method: clinical testing. Allele origin: germline.
Comment: This sequence change replaces alanine, which is neutral and non-polar, with serine, which is neutral and polar, at codon 507 of the SLC13A5 protein (p.Ala507Ser). This variant is present in population databases (rs751195634, gnomAD 0.003%). This variant has not been reported in the literature in individuals affected with SLC13A5-related conditions. Algorithms developed to predict the effect of missense changes on protein structure and function are either unavailable or do not agree on the potential impact of this missense change (SIFT: "Tolerated"; PolyPhen-2: "Possibly Damaging"; Align-GVGD: "Class C0"). In summary, the available evidence is currently insufficient to determine the role of this variant in disease. Therefore, it has been classified as a Variant of Uncertain Significance.

NM_177550.5(SLC13A5):c.1519G>T (p.Ala507Ser)

Gene: SLC13A5 (solute carrier family 13 member 5; minus strand). Cytogenetic location: 17p13.1.
Variant type: single nucleotide variant.
Coding change: c.1519G>T on transcript NM_177550.5 (MANE Select); coding-DNA position 1519, G replaced by T.
Protein change: p.Ala507Ser; replaces alanine 507 with serine.
Molecular consequence: missense variant. On other transcripts: intron variant (1).
Genome position (GRCh38, 1-based): chr17:6,687,585, C>A on the plus strand (G>T on the coding strand, the complement: SLC13A5 is on the minus strand). VCF-style: chr17-6687585-C-A. GRCh37 (hg19) VCF-style: chr17-6590904-C-A.
Other names: c.1468G>T, p.Ala490Ser (NM_001284509.2); c.1390G>T, p.Ala464Ser (NM_001284510.2); c.1438-1247G>T (NM_001143838.3); short protein forms A464S, A490S, A507S.
Identifiers: ClinVar variation 1716433 (VCV001716433.3), dbSNP rs751195634, ClinGen allele CA8331353.
Genomic context (GRCh38, chr17:6,687,585, plus strand): 5'-TTACCATGTCAGCAACCTTGAGGTGCCCATAGGTGAACACGATGGCATTTGGAGGGGTGG[C>A]CACAGGCAACATGAAGGCAAAGGAGGCACTCAGGGTACAGGGCAGCATGATGTACAGCGG-3'
Protein context (NP_808218.1, residues 497-517): SASFAFMLPV[Ala507Ser]TPPNAIVFTY